The following is an entry in ClinVar:

ClinVar aggregate classification (germline): Likely benign. Review status: criteria provided, single submitter (1 of 4 stars). 2 submissions from 2 submitters: Likely benign (1). 1 of the submissions does not count toward it. Last evaluated 2025-09-12.

Conditions:
MYO18B-related disorder. Also called: MYO18B-related condition.

Allele frequency attached by ClinVar (database versions not stated): gnomAD exomes 0.00009; ExAC 0.00018; ESP Exome Variant Server 0.00034; gnomAD 0.00044 and 0.00048; 1000 Genomes Project 30x 0.00047; 1000 Genomes Project 0.00060.
gnomAD v4.1: 116 of 1,596,050 alleles (0.0073%); highest among the groups gnomAD compares: African/African-American, 0.14%; 1 homozygote.

Submissions (2):

Labcorp Genetics (formerly Invitae), Labcorp
Classification: Likely benign. Last evaluated: 2025-09-12. Review status: criteria provided, single submitter. Criteria: Invitae Variant Classification Sherloc (09022015). Collection method: clinical testing. Allele origin: germline.

PreventionGenetics, part of Exact Sciences
Classification: Likely benign for MYO18B-related condition. Last evaluated: 2019-03-29. Review status: no assertion criteria provided. Collection method: clinical testing. Allele origin: germline. Not counted in ClinVar's aggregate classification.
Comment: This variant is classified as likely benign based on ACMG/AMP sequence variant interpretation guidelines (Richards et al. 2015 PMID: 25741868, with internal and published modifications).

NM_032608.7(MYO18B):c.585C>G (p.Thr195=)

Gene: MYO18B (myosin XVIIIB; plus strand). Cytogenetic location: 22q12.1.
Variant type: single nucleotide variant.
Coding change: c.585C>G on transcript NM_032608.7 (MANE Select); coding-DNA position 585, C replaced by G.
Protein change: p.Thr195=; no amino-acid change (threonine 195 retained).
Molecular consequence: synonymous variant.
Genome position (GRCh38, 1-based): chr22:25,768,501, C>G. VCF-style: chr22-25768501-C-G. GRCh37 (hg19) VCF-style: chr22-26164468-C-G.
Other names: c.585C>G, p.Thr195= (NM_001318245.2); c.585C>G (NM_032608.6).
Identifiers: ClinVar variation 1632248 (VCV001632248.11), dbSNP rs377089421, ClinGen allele CA10159650.
Genomic context (GRCh38, chr22:25,768,501, plus strand): 5'-CCCCCCTTGCAAGACCTCTCCCCCCGCCACAGATACTGGAAAGGAAAAGAAAGGGGAGAC[C>G]TCTAGGACTCCTTGTGGCTCCCAGGCCAGCACCGAGATCTTGGCCCCGAAAGCTGAGAAG-3'
Protein context (NP_115997.5, residues 185-205): TDTGKEKKGE[Thr195=]SRTPCGSQAS